The following is an entry in ClinVar:

NM_001379270.1(CNGA1):c.1934A>C (p.Glu645Ala)

Genes: CNGA1 (cyclic nucleotide gated channel subunit alpha 1; minus strand), LOC101927157 (uncharacterized LOC101927157; plus strand). Cytogenetic location: 4p12.
Variant type: single nucleotide variant.
Coding change: c.1934A>C on transcript NM_001379270.1 (MANE Select); coding-DNA position 1934, A replaced by C.
Protein change: p.Glu645Ala; replaces glutamic acid 645 with alanine.
Molecular consequence: missense variant.
Genome position (GRCh38, 1-based): chr4:47,936,548, T>G on the plus strand (A>C on the coding strand, the complement: CNGA1 is on the minus strand). VCF-style: chr4-47936548-T-G. GRCh37 (hg19) VCF-style: chr4-47938565-T-G.
Other names: c.1934A>C, p.Glu645Ala (NM_000087.5, NM_001142564.2); short protein forms E645A.
Identifiers: ClinVar variation 964383 (VCV000964383.10), dbSNP rs376378429, ClinGen allele CA2910990.

ClinVar aggregate classification (germline): Conflicting classifications of pathogenicity. Review status: criteria provided, conflicting classifications (1 of 4 stars). 4 submissions from 4 submitters: Uncertain significance (3); Likely benign (1). Last evaluated 2025-12-16.

Conditions:
Inborn genetic diseases. Identifiers: MedGen C0950123, MeSH D030342.
Retinitis pigmentosa 49 (RP49). Identifiers: Orphanet 791, MedGen C3151059, MONDO:0013405, OMIM 613756.

Allele frequency attached by ClinVar (database versions not stated): gnomAD exomes 0.00001 and 0.00005; ExAC 0.00005; gnomAD 0.00013 and 0.00015; ESP Exome Variant Server 0.00017; TOPMed 0.00017.
gnomAD v4.1: 43 of 1,614,086 alleles (0.0027%); highest among the groups gnomAD compares: African/African-American, 0.053%; no homozygotes.

Submissions (4):

Ambry Genetics
Classification: Uncertain significance for Inborn genetic diseases. Last evaluated: 2025-12-16. Review status: criteria provided, single submitter. Criteria: Ambry Variant Classification Scheme 2023. Collection method: clinical testing. Allele origin: germline.

Blueprint Genetics
Classification: Likely benign. Last evaluated: 2024-08-08. Review status: criteria provided, single submitter. Criteria: ACMG Guidelines, 2015. Collection method: clinical testing. Allele origin: germline.

Fulgent Genetics
Classification: Uncertain significance for Retinitis pigmentosa 49. Last evaluated: 2024-06-11. Review status: criteria provided, single submitter. Criteria: ACMG Guidelines, 2015. Collection method: clinical testing. Allele origin: germline.

Labcorp Genetics (formerly Invitae), Labcorp
Classification: Uncertain significance. Last evaluated: 2022-07-19. Review status: criteria provided, single submitter. Criteria: Invitae Variant Classification Sherloc (09022015). Collection method: clinical testing. Allele origin: germline.
Comment: This sequence change replaces glutamic acid, which is acidic and polar, with alanine, which is neutral and non-polar, at codon 649 of the CNGA1 protein (p.Glu649Ala). This variant is present in population databases (rs376378429, gnomAD 0.08%). This variant has not been reported in the literature in individuals affected with CNGA1-related conditions. ClinVar contains an entry for this variant (Variation ID: 964383). Algorithms developed to predict the effect of missense changes on protein structure and function are either unavailable or do not agree on the potential impact of this missense change (SIFT: "Tolerated"; PolyPhen-2: "Possibly Damaging"; Align-GVGD: "Class C0"). In summary, the available evidence is currently insufficient to determine the role of this variant in disease. Therefore, it has been classified as a Variant of Uncertain Significance.